The following is an entry in ClinVar:

ClinVar aggregate classification (germline): Uncertain significance (1 of 4 stars; one submission).

Allele frequency attached by ClinVar (database versions not stated): ExAC 0.00001; gnomAD 0.00002; TOPMed 0.00003.
gnomAD v4.1: 17 of 1,613,514 alleles (0.0011%); highest among the groups gnomAD compares: African/African-American, 0.0053%; no homozygotes.

Submission:

Labcorp Genetics (formerly Invitae), Labcorp
Classification: Uncertain significance. Last evaluated: 2025-12-17. Review status: criteria provided, single submitter. Criteria: Invitae Variant Classification Sherloc (09022015). Collection method: clinical testing. Allele origin: germline.
Comment: This sequence change replaces methionine, which is neutral and non-polar, with valine, which is neutral and non-polar, at codon 435 of the TOPORS protein (p.Met435Val). This variant is present in population databases (rs769934695, gnomAD 0.01%). This variant has not been reported in the literature in individuals affected with TOPORS-related conditions. ClinVar contains an entry for this variant (Variation ID: 1010186). An algorithm developed to predict the effect of missense changes on protein structure and function outputs the following: PolyPhen-2: "Benign". The valine amino acid residue is found in multiple mammalian species, which suggests that this missense change does not adversely affect protein function. In summary, the available evidence is currently insufficient to determine the role of this variant in disease. Therefore, it has been classified as a Variant of Uncertain Significance.

NM_005802.5(TOPORS):c.1303A>G (p.Met435Val)

Gene: TOPORS (TOP1 binding arginine/serine rich protein, E3 ubiquitin ligase; minus strand). Cytogenetic location: 9p21.1.
Variant type: single nucleotide variant.
Coding change: c.1303A>G on transcript NM_005802.5 (MANE Select); coding-DNA position 1303, A replaced by G.
Protein change: p.Met435Val; replaces methionine 435 with valine.
Molecular consequence: missense variant.
Genome position (GRCh38, 1-based): chr9:32,543,222, T>C on the plus strand (A>G on the coding strand, the complement: TOPORS is on the minus strand). VCF-style: chr9-32543222-T-C. GRCh37 (hg19) VCF-style: chr9-32543220-T-C.
Other names: c.1108A>G, p.Met370Val (NM_001195622.2); short protein forms M370V, M435V.
Identifiers: ClinVar variation 1010186 (VCV001010186.8), dbSNP rs769934695, ClinGen allele CA5020540.
Genomic context (GRCh38, chr9:32,543,222, plus strand): 5'-TGGCTCCTCCTGTGACAAGTTCTTCATCTGAACTGTCAGAAGTATTTAAAAGAGAAGACA[T>C]AGTAACGTGTACCTGCTCTGAGCTTGAGTAAGATGGTCCTGGAGTTTCATCATCCCATGG-3'
Protein context (NP_005793.2, residues 425-445): YSSSEQVHVT[Met435Val]SSLLNTSDSS